The following is an entry in ClinVar:

ClinVar aggregate classification (germline): Uncertain significance (1 of 4 stars; one submission).

Submission:

Labcorp Genetics (formerly Invitae), Labcorp
Classification: Uncertain significance. Last evaluated: 2024-04-03. Review status: criteria provided, single submitter. Criteria: Invitae Variant Classification Sherloc (09022015). Collection method: clinical testing. Allele origin: germline.
Comment: This sequence change replaces lysine, which is basic and polar, with glutamic acid, which is acidic and polar, at codon 346 of the IL12RB2 protein (p.Lys346Glu). This variant is not present in population databases (gnomAD no frequency). This variant has not been reported in the literature in individuals affected with IL12RB2-related conditions. An algorithm developed to predict the effect of missense changes on protein structure and function (PolyPhen-2) suggests that this variant is likely to be disruptive. In summary, the available evidence is currently insufficient to determine the role of this variant in disease. Therefore, it has been classified as a Variant of Uncertain Significance.

NM_001374259.2(IL12RB2):c.1036A>G (p.Lys346Glu)

Gene: IL12RB2 (interleukin 12 receptor subunit beta 2; plus strand). Cytogenetic location: 1p31.3.
Variant type: single nucleotide variant.
Coding change: c.1036A>G on transcript NM_001374259.2 (MANE Select); coding-DNA position 1036, A replaced by G.
Protein change: p.Lys346Glu; replaces lysine 346 with glutamic acid.
Molecular consequence: missense variant. On other transcripts: non-coding transcript variant (2).
Genome position (GRCh38, 1-based): chr1:67,338,701, A>G. VCF-style: chr1-67338701-A-G. GRCh37 (hg19) VCF-style: chr1-67804384-A-G.
Other names: c.1036A>G, p.Lys346Glu (NM_001258216.1, NM_001319233.1, NM_001559.3 and 2 more transcripts); short protein forms K346E.
Identifiers: ClinVar variation 3648588 (VCV003648588.2).